The following is an entry in ClinVar:

NM_000057.4(BLM):c.754G>A (p.Ala252Thr)

Gene: BLM (BLM RecQ like helicase; plus strand). Cytogenetic location: 15q26.1.
Variant type: single nucleotide variant.
Coding change: c.754G>A on transcript NM_000057.4 (MANE Select); coding-DNA position 754, G replaced by A.
Protein change: p.Ala252Thr; replaces alanine 252 with threonine.
Molecular consequence: missense variant. On other transcripts: 5 prime UTR variant (1).
Genome position (GRCh38, 1-based): chr15:90,750,022, G>A. VCF-style: chr15-90750022-G-A. GRCh37 (hg19) VCF-style: chr15-91293252-G-A.
Other names: c.754G>A, p.Ala252Thr (NM_001287246.2, NM_001287247.2); c.-538G>A (NM_001287248.2); c.754G>A (NM_000057.2); short protein forms A252T.
Identifiers: ClinVar variation 964062 (VCV000964062.11), dbSNP rs1895638377, ClinGen allele CA393841486.
Genomic context (GRCh38, chr15:90,750,022, plus strand): 5'-AGCAGCGATGTGATTTGCATCGATGATGGCCCCATTGCTGAAGTGCATATAAATGAAGAT[G>A]CTCAGGAAAGTGACTCTCTGAAAACTCATTTGGAAGATGAAAGAGGTAACAATTATTTTA-3'
Protein context (NP_000048.1, residues 242-262): PIAEVHINED[Ala252Thr]QESDSLKTHL

ClinVar aggregate classification (germline): Conflicting classifications of pathogenicity. Review status: criteria provided, conflicting classifications (1 of 4 stars). 2 submissions from 2 submitters: Uncertain significance (1); Likely benign (1). Last evaluated 2026-08-08.

Conditions:
Hereditary cancer-predisposing syndrome. Also called: Neoplastic Syndromes, Hereditary; Hereditary Cancer Syndrome; Tumor predisposition; Hereditary neoplastic syndrome. Identifiers: Orphanet 140162, MedGen C0027672, MeSH D009386, MONDO:0015356.
Bloom syndrome (BLM). Also called: Bloom-Torre-Machacek syndrome. Identifiers: Orphanet 125, MedGen C0005859, MONDO:0008876, OMIM 210900.

Submissions (2):

Ambry Genetics
Classification: Likely benign for Hereditary cancer-predisposing syndrome. Last evaluated: 2026-08-08. Review status: criteria provided, single submitter. Criteria: Ambry Variant Classification Scheme 2023. Collection method: clinical testing. Allele origin: germline.

Labcorp Genetics (formerly Invitae), Labcorp
Classification: Uncertain significance for Bloom syndrome. Last evaluated: 2019-09-02. Review status: criteria provided, single submitter. Criteria: Invitae Variant Classification Sherloc (09022015). Collection method: clinical testing. Allele origin: germline.
Comment: In summary, the available evidence is currently insufficient to determine the role of this variant in disease. Therefore, it has been classified as a Variant of Uncertain Significance. Algorithms developed to predict the effect of missense changes on protein structure and function output the following: SIFT: "Tolerated"; PolyPhen-2: "Benign"; Align-GVGD: "Class C0". The threonine amino acid residue is found in multiple mammalian species, suggesting that this missense change does not adversely affect protein function. These predictions have not been confirmed by published functional studies and their clinical significance is uncertain. This variant has not been reported in the literature in individuals with BLM-related conditions. This variant is not present in population databases (ExAC no frequency). This sequence change replaces alanine with threonine at codon 252 of the BLM protein (p.Ala252Thr). The alanine residue is weakly conserved and there is a small physicochemical difference between alanine and threonine.